The following is an entry in ClinVar:

ClinVar aggregate classification (germline): Likely benign. Review status: criteria provided, single submitter (1 of 4 stars). 2 submissions from 2 submitters: Likely benign (1). 1 of the submissions does not count toward it. Last evaluated 2024-06-04.

Conditions:
DOCK6-related disorder. Also called: DOCK6-related condition.

Allele frequency attached by ClinVar (database versions not stated): ExAC 0.00002; TOPMed 0.00002; gnomAD 0.00003; gnomAD exomes 0.00003.
gnomAD v4.1: 46 of 1,613,488 alleles (0.0029%); highest among the groups gnomAD compares: Non-Finnish European, 0.0039%; no homozygotes.

Submissions (2):

Labcorp Genetics (formerly Invitae), Labcorp
Classification: Likely benign. Last evaluated: 2024-06-04. Review status: criteria provided, single submitter. Criteria: Invitae Variant Classification Sherloc (09022015). Collection method: clinical testing. Allele origin: germline.

PreventionGenetics, part of Exact Sciences
Classification: Likely benign for DOCK6-related condition. Last evaluated: 2023-01-19. Review status: no assertion criteria provided. Collection method: clinical testing. Allele origin: germline. Not counted in ClinVar's aggregate classification.
Comment: This variant is classified as likely benign based on ACMG/AMP sequence variant interpretation guidelines (Richards et al. 2015 PMID: 25741868, with internal and published modifications).

NM_020812.4(DOCK6):c.4962G>A (p.Val1654=)

Genes: DOCK6 (dedicator of cytokinesis 6; minus strand), DOCK6-AS1 (DOCK6 antisense RNA 1; plus strand). Cytogenetic location: 19p13.2.
Variant type: single nucleotide variant.
Coding change: c.4962G>A on transcript NM_020812.4 (MANE Select); coding-DNA position 4962, G replaced by A.
Protein change: p.Val1654=; no amino-acid change (valine 1654 retained).
Molecular consequence: synonymous variant.
Genome position (GRCh38, 1-based): chr19:11,208,812, C>T on the plus strand (G>A on the coding strand, the complement: DOCK6 is on the minus strand). VCF-style: chr19-11208812-C-T. GRCh37 (hg19) VCF-style: chr19-11319488-C-T.
Other names: c.4962G>A (NM_020812.3); c.5067G>A, p.Val1689= (NM_001367830.1).
Identifiers: ClinVar variation 2976666 (VCV002976666.5), dbSNP rs748871397, ClinGen allele CA9206663.